The following is an entry in ClinVar:

NM_014844.5(TECPR2):c.3276G>A (p.Ser1092=)

Gene: TECPR2 (tectonin beta-propeller repeat containing 2; plus strand). Cytogenetic location: 14q32.31.
Variant type: single nucleotide variant.
Coding change: c.3276G>A on transcript NM_014844.5 (MANE Select); coding-DNA position 3276, G replaced by A.
Protein change: p.Ser1092=; no amino-acid change (serine 1092 retained).
Molecular consequence: synonymous variant.
Genome position (GRCh38, 1-based): chr14:102,449,829, G>A. VCF-style: chr14-102449829-G-A. GRCh37 (hg19) VCF-style: chr14-102916166-G-A.
Other names: p.Ser1092=; c.3276G>A, p.Ser1092= (NM_001172631.3).
Identifiers: ClinVar variation 1897946 (VCV001897946.6), dbSNP rs369793450, ClinGen allele CA7358175.

ClinVar aggregate classification (germline): Likely benign. Review status: criteria provided, multiple submitters, no conflicts (2 of 4 stars). 2 submissions from 2 submitters: Likely benign (2). Last evaluated 2026-01-26.

Conditions:
Hereditary spastic paraplegia 49 (HSAN9). Also called: TECPR2-Related Hereditary Sensory and Autonomic Neuropathy with Intellectual Disability; NEUROPATHY, HEREDITARY SENSORY AND AUTONOMIC, TYPE IX, WITH DEVELOPMENTAL DELAY; Spastic paraplegia 49, autosomal recessive. Identifiers: Orphanet 320385, MedGen C5190860, MONDO:0014016, OMIM 615031.

Allele frequency attached by ClinVar (database versions not stated): ExAC 0.00002; gnomAD 0.00003; TOPMed 0.00003; gnomAD exomes 0.00004.
gnomAD v4.1: 66 of 1,614,008 alleles (0.0041%); highest among the groups gnomAD compares: African/African-American, 0.013%; 1 homozygote.

Submissions (2):

Labcorp Genetics (formerly Invitae), Labcorp
Classification: Likely benign for Hereditary spastic paraplegia 49. Last evaluated: 2026-01-26. Review status: criteria provided, single submitter. Criteria: Invitae Variant Classification Sherloc (09022015). Collection method: clinical testing. Allele origin: germline.

Mayo Clinic Laboratories, Mayo Clinic
Classification: Likely benign. Last evaluated: 2025-06-10. Review status: criteria provided, single submitter. Criteria: ACMG Guidelines, 2015. Collection method: clinical testing. Allele origin: germline. Observed: 1 variant allele.
Comment: BP4, BP7